The following is an entry in ClinVar:

ClinVar aggregate classification (germline): Uncertain significance (1 of 4 stars; one submission).

gnomAD v4.1: 2 of 1,614,220 alleles (0.00012%); highest among the groups gnomAD compares: African/African-American, 0.0013%; no homozygotes.

Submission:

GeneDx
Classification: Uncertain significance. Last evaluated: 2026-04-19. Review status: criteria provided, single submitter. Criteria: GeneDx Variant Classification Process June 2021. Collection method: clinical testing. Allele origin: germline.
Comment: Not observed at significant frequency in large population cohorts (gnomAD); In silico analysis supports that this missense variant has a deleterious effect on protein structure/function; Has not been previously published as pathogenic or benign to our knowledge

NM_012330.4(KAT6B):c.1385A>G (p.Tyr462Cys)

Gene: KAT6B (lysine acetyltransferase 6B; plus strand). Cytogenetic location: 10q22.2.
Variant type: single nucleotide variant.
Coding change: c.1385A>G on transcript NM_012330.4 (MANE Select); coding-DNA position 1385, A replaced by G.
Protein change: p.Tyr462Cys; replaces tyrosine 462 with cysteine.
Molecular consequence: missense variant. On other transcripts: intron variant (11).
Genome position (GRCh38, 1-based): chr10:74,975,722, A>G. VCF-style: chr10-74975722-A-G. GRCh37 (hg19) VCF-style: chr10-76735480-A-G.
Other names: c.1385A>G, p.Tyr462Cys (NM_001256468.2, NM_001370136.1, NM_001370137.1 and 1 more transcripts); c.1117+268A>G (NM_001370139.1, NM_001370140.1, NM_001370141.1 and 3 more transcripts); c.846+5947A>G (NM_001370133.1); c.193-3502A>G (NM_001370134.1); c.929-1594A>G (NM_001370143.1, NM_001370144.1); c.193-13297A>G (NM_001370135.1); short protein forms Y462C.
Identifiers: ClinVar variation 5037300 (VCV005037300.1).
Genomic context (GRCh38, chr10:74,975,722, plus strand): 5'-TTACACCATCACCTGATGGTCGCAGATCACGAGGTGAAATTATAGACTTTTCAAAGCACT[A>G]TCGTCCAAGGAAAAAGGTCTCTCAGAAACAGTCATGCACTTCTCATGTGTTGGCTACAGG-3'
Protein context (NP_036462.2, residues 452-472): RGEIIDFSKH[Tyr462Cys]RPRKKVSQKQ